The following is an entry in ClinVar:

NM_004006.3(DMD):c.5458A>C (p.Asn1820His)

Gene: DMD (dystrophin; minus strand). Cytogenetic location: Xp21.1.
Variant type: single nucleotide variant.
Coding change: c.5458A>C on transcript NM_004006.3 (MANE Select); coding-DNA position 5458, A replaced by C.
Protein change: p.Asn1820His; replaces asparagine 1820 with histidine.
Molecular consequence: missense variant.
Genome position (GRCh38, 1-based): chrX:32,346,071, T>G on the plus strand (A>C on the coding strand, the complement: DMD is on the minus strand). VCF-style: chrX-32346071-T-G. GRCh37 (hg19) VCF-style: chrX-32364188-T-G.
Other names: c.5434A>C, p.Asn1812His (NM_000109.4); c.5446A>C, p.Asn1816His (NM_004009.3); c.5089A>C, p.Asn1697His (NM_004010.3); c.1435A>C, p.Asn479His (NM_004011.4); c.1426A>C, p.Asn476His (NM_004012.4); short protein forms N1697H, N1812H, N1816H, N1820H, N476H, N479H.
Identifiers: ClinVar variation 4800960 (VCV004800960.1).
Genomic context (GRCh38, chrX:32,346,071, plus strand): 5'-CTGTGATTCTTTGTTGTAAGTTGTCTCCTCTTTGCAACAATTCTTTTACAGTACCCTCAT[T>G]GTCTTCATTCTGATCAAAAACAACAAGTACAGTCTTCATTTTGGTTTTTAAAAAGCTGTA-3'
Protein context (NP_003997.2, residues 1810-1830): EDFNKDMNED[Asn1820His]EGTVKELLQR

ClinVar aggregate classification (germline): Uncertain significance (1 of 4 stars; one submission).

Conditions:
Duchenne muscular dystrophy (DMD). Also called: Duchenne Muscular Dystrophy (DMD); MUSCULAR DYSTROPHY, PSEUDOHYPERTROPHIC PROGRESSIVE, DUCHENNE TYPE. Identifiers: Orphanet 98896, MedGen C0013264, MONDO:0010679, OMIM 310200.

Submission:

Labcorp Genetics (formerly Invitae), Labcorp
Classification: Uncertain significance for Duchenne muscular dystrophy. Last evaluated: 2025-09-07. Review status: criteria provided, single submitter. Criteria: Invitae Variant Classification Sherloc (09022015). Collection method: clinical testing. Allele origin: germline.
Comment: This sequence change replaces asparagine, which is neutral and polar, with histidine, which is basic and polar, at codon 1820 of the DMD protein (p.Asn1820His). This variant is not present in population databases (gnomAD no frequency). This variant has not been reported in the literature in individuals affected with DMD-related conditions. Invitae Evidence Modeling of protein sequence and biophysical properties (such as structural, functional, and spatial information, amino acid conservation, physicochemical variation, residue mobility, and thermodynamic stability) indicates that this missense variant is not expected to disrupt DMD protein function with a negative predictive value of 95%. In summary, the available evidence is currently insufficient to determine the role of this variant in disease. Therefore, it has been classified as a Variant of Uncertain Significance.